The following is an entry in ClinVar:

ClinVar aggregate classification (germline): Uncertain significance (1 of 4 stars; one submission).

Allele frequency attached by ClinVar (database versions not stated): gnomAD exomes below 0.00001.
gnomAD v4.1: 1 of 1,614,164 alleles (0.000062%); highest among the groups gnomAD compares: Non-Finnish European, 0.000085%; no homozygotes.

Submission:

Labcorp Genetics (formerly Invitae), Labcorp
Classification: Uncertain significance. Last evaluated: 2023-12-01. Review status: criteria provided, single submitter. Criteria: Invitae Variant Classification Sherloc (09022015). Collection method: clinical testing. Allele origin: germline.
Comment: This sequence change replaces valine, which is neutral and non-polar, with alanine, which is neutral and non-polar, at codon 366 of the ADNP protein (p.Val366Ala). This variant is not present in population databases (gnomAD no frequency). This variant has not been reported in the literature in individuals affected with ADNP-related conditions. An algorithm developed to predict the effect of missense changes on protein structure and function (PolyPhen-2) suggests that this variant is likely to be tolerated. In summary, the available evidence is currently insufficient to determine the role of this variant in disease. Therefore, it has been classified as a Variant of Uncertain Significance.

NM_001282531.3(ADNP):c.1097T>C (p.Val366Ala)

Gene: ADNP (activity dependent neuroprotector homeobox; minus strand). Cytogenetic location: 20q13.13.
Variant type: single nucleotide variant.
Coding change: c.1097T>C on transcript NM_001282531.3 (MANE Select); coding-DNA position 1097, T replaced by C.
Protein change: p.Val366Ala; replaces valine 366 with alanine.
Molecular consequence: missense variant.
Genome position (GRCh38, 1-based): chr20:50,893,617, A>G on the plus strand (T>C on the coding strand, the complement: ADNP is on the minus strand). VCF-style: chr20-50893617-A-G. GRCh37 (hg19) VCF-style: chr20-49510154-A-G.
Other names: c.1097T>C, p.Val366Ala (NM_001282532.2, NM_001347511.2, NM_015339.5 and 1 more transcripts); short protein forms V366A.
Identifiers: ClinVar variation 2700048 (VCV002700048.3), dbSNP rs2515587265, ClinGen allele CA408974611.